The following is an entry in ClinVar:

NM_014795.4(ZEB2):c.2716C>T (p.Pro906Ser)

Gene: ZEB2 (zinc finger E-box binding homeobox 2; minus strand). Cytogenetic location: 2q22.3.
Variant type: single nucleotide variant.
Coding change: c.2716C>T on transcript NM_014795.4 (MANE Select); coding-DNA position 2716, C replaced by T.
Protein change: p.Pro906Ser; replaces proline 906 with serine.
Molecular consequence: missense variant.
Genome position (GRCh38, 1-based): chr2:144,398,471, G>A on the plus strand (C>T on the coding strand, the complement: ZEB2 is on the minus strand). VCF-style: chr2-144398471-G-A. GRCh37 (hg19) VCF-style: chr2-145156038-G-A.
Other names: c.2644C>T, p.Pro882Ser (NM_001171653.2); short protein forms P906S, P882S.
Identifiers: ClinVar variation 2174481 (VCV002174481.4), dbSNP rs375527889, ClinGen allele CA1898217.

ClinVar aggregate classification (germline): Uncertain significance (1 of 4 stars; one submission).

Conditions:
Mowat-Wilson syndrome (MOWS). Also called: Classic Mowat-Wilson Syndrome. Identifiers: Orphanet 2152, MedGen C1856113, MONDO:0009341, OMIM 235730.

Allele frequency attached by ClinVar (database versions not stated): gnomAD exomes below 0.00001; ExAC 0.00001; TOPMed 0.00002; gnomAD 0.00004; ESP Exome Variant Server 0.00008; 1000 Genomes Project 30x 0.00016; 1000 Genomes Project 0.00020.
gnomAD v4.1: 10 of 1,614,050 alleles (0.00062%); highest among the groups gnomAD compares: African/African-American, 0.0093%; no homozygotes.

Submission:

Labcorp Genetics (formerly Invitae), Labcorp
Classification: Uncertain significance for Mowat-Wilson syndrome. Last evaluated: 2026-01-11. Review status: criteria provided, single submitter. Criteria: Invitae Variant Classification Sherloc (09022015). Collection method: clinical testing. Allele origin: germline.
Comment: This sequence change replaces proline, which is neutral and non-polar, with serine, which is neutral and polar, at codon 906 of the ZEB2 protein (p.Pro906Ser). This variant is present in population databases (rs375527889, gnomAD 0.008%). This variant has not been reported in the literature in individuals affected with ZEB2-related conditions. ClinVar contains an entry for this variant (Variation ID: 2174481). Invitae Evidence Modeling of protein sequence and biophysical properties (such as structural, functional, and spatial information, amino acid conservation, physicochemical variation, residue mobility, and thermodynamic stability) indicates that this missense variant is expected to disrupt ZEB2 protein function with a positive predictive value of 80%. In summary, the available evidence is currently insufficient to determine the role of this variant in disease. Therefore, it has been classified as a Variant of Uncertain Significance.